The following is an entry in ClinVar:

NM_177402.5(SYT2):c.385G>A (p.Gly129Ser)

Gene: SYT2 (synaptotagmin 2; minus strand). Cytogenetic location: 1q32.1.
Variant type: single nucleotide variant.
Coding change: c.385G>A on transcript NM_177402.5 (MANE Select); coding-DNA position 385, G replaced by A.
Protein change: p.Gly129Ser; replaces glycine 129 with serine.
Molecular consequence: missense variant.
Genome position (GRCh38, 1-based): chr1:202,603,079, C>T on the plus strand (G>A on the coding strand, the complement: SYT2 is on the minus strand). VCF-style: chr1-202603079-C-T. GRCh37 (hg19) VCF-style: chr1-202572207-C-T.
Other names: c.385G>A, p.Gly129Ser (NM_001136504.1); short protein forms G129S.
Identifiers: ClinVar variation 3573832 (VCV003573832.2).

ClinVar aggregate classification (germline): Uncertain significance (1 of 4 stars; one submission).

Submission:

GeneDx
Classification: Uncertain significance. Last evaluated: 2025-04-16. Review status: criteria provided, single submitter. Criteria: GeneDx Variant Classification Process June 2021. Collection method: clinical testing. Allele origin: germline.
Comment: Not observed at significant frequency in large population cohorts (gnomAD); In silico analysis indicates that this missense variant does not alter protein structure/function; Has not been previously published as pathogenic or benign to our knowledge